The following is an entry in ClinVar:

ClinVar aggregate classification (germline): Uncertain significance (1 of 4 stars; one submission).

Submission:

Labcorp Genetics (formerly Invitae), Labcorp
Classification: Uncertain significance. Last evaluated: 2025-12-11. Review status: criteria provided, single submitter. Criteria: Invitae Variant Classification Sherloc (09022015). Collection method: clinical testing. Allele origin: germline.
Comment: This sequence change replaces valine, which is neutral and non-polar, with methionine, which is neutral and non-polar, at codon 45 of the EFNA4 protein (p.Val45Met). This variant is present in population databases (no rsID available, gnomAD 0.003%). This variant has not been reported in the literature in individuals affected with EFNA4-related conditions. An algorithm developed to predict the effect of missense changes on protein structure and function (PolyPhen-2) suggests that this variant is likely to be tolerated. In summary, the available evidence is currently insufficient to determine the role of this variant in disease. Therefore, it has been classified as a Variant of Uncertain Significance.

NM_005227.3(EFNA4):c.133G>A (p.Val45Met)

Genes: ADAM15-EFNA4 (ADAM15-EFNA4 readthrough; plus strand), EFNA4 (ephrin A4; plus strand), EFNA4-EFNA3 (EFNA4-EFNA3 readthrough; plus strand). Cytogenetic location: 1q21.3.
Variant type: single nucleotide variant.
Coding change: c.133G>A on transcript NM_005227.3 (MANE Select); coding-DNA position 133, G replaced by A.
Protein change: p.Val45Met; replaces valine 45 with methionine.
Molecular consequence: missense variant. On other transcripts: non-coding transcript variant (1), 5 prime UTR variant (1), intron variant (1).
Genome position (GRCh38, 1-based): chr1:155,066,749, G>A. VCF-style: chr1-155066749-G-A. GRCh37 (hg19) VCF-style: chr1-155039225-G-A.
Other names: c.-96G>A (NM_001406810.1); c.133G>A, p.Val45Met (NM_182689.2, NM_182690.3); c.113+2813G>A (NM_001407761.1); short protein forms V45M.
Identifiers: ClinVar variation 4699911 (VCV004699911.1).